The following is an entry in ClinVar:

ClinVar aggregate classification (germline): Uncertain significance. Review status: criteria provided, multiple submitters, no conflicts (2 of 4 stars). 2 submissions from 2 submitters: Uncertain significance (2). Last evaluated 2024-08-14.

Allele frequency attached by ClinVar (database versions not stated): ExAC 0.00001; gnomAD 0.00001; gnomAD exomes 0.00001; TOPMed 0.00003.
gnomAD v4.1: 21 of 1,607,940 alleles (0.0013%); highest among the groups gnomAD compares: Non-Finnish European, 0.0014%; no homozygotes.

Submissions (2):

Labcorp Genetics (formerly Invitae), Labcorp
Classification: Uncertain significance. Last evaluated: 2024-08-14. Review status: criteria provided, single submitter. Criteria: Invitae Variant Classification Sherloc (09022015). Collection method: clinical testing. Allele origin: germline.
Comment: This sequence change replaces arginine, which is basic and polar, with cysteine, which is neutral and slightly polar, at codon 136 of the EIF2AK1 protein (p.Arg136Cys). This variant is present in population databases (rs755852686, gnomAD 0.002%). This variant has not been reported in the literature in individuals affected with EIF2AK1-related conditions. ClinVar contains an entry for this variant (Variation ID: 2172917). An algorithm developed to predict the effect of missense changes on protein structure and function (PolyPhen-2) suggests that this variant is likely to be tolerated. In summary, the available evidence is currently insufficient to determine the role of this variant in disease. Therefore, it has been classified as a Variant of Uncertain Significance.

Ambry Genetics
Classification: Uncertain significance. Last evaluated: 2023-12-19. Review status: criteria provided, single submitter. Criteria: Ambry Variant Classification Scheme 2023. Collection method: clinical testing. Allele origin: germline.

NM_014413.4(EIF2AK1):c.406C>T (p.Arg136Cys)

Gene: EIF2AK1 (eukaryotic translation initiation factor 2 alpha kinase 1; minus strand). Cytogenetic location: 7p22.1.
Variant type: single nucleotide variant.
Coding change: c.406C>T on transcript NM_014413.4 (MANE Select); coding-DNA position 406, C replaced by T.
Protein change: p.Arg136Cys; replaces arginine 136 with cysteine.
Molecular consequence: missense variant.
Genome position (GRCh38, 1-based): chr7:6,049,917, G>A on the plus strand (C>T on the coding strand, the complement: EIF2AK1 is on the minus strand). VCF-style: chr7-6049917-G-A. GRCh37 (hg19) VCF-style: chr7-6089548-G-A.
Other names: c.406C>T (NM_014413.3); c.406C>T, p.Arg136Cys (NM_001134335.2); short protein forms R136C.
Identifiers: ClinVar variation 2172917 (VCV002172917.5), dbSNP rs755852686, ClinGen allele CA4151243.